The following is an entry in ClinVar:

NM_006059.4(LAMC3):c.835G>A (p.Glu279Lys)

Gene: LAMC3 (laminin subunit gamma 3; plus strand). Cytogenetic location: 9q34.12.
Variant type: single nucleotide variant.
Coding change: c.835G>A on transcript NM_006059.4 (MANE Select); coding-DNA position 835, G replaced by A.
Protein change: p.Glu279Lys; replaces glutamic acid 279 with lysine.
Molecular consequence: missense variant.
Genome position (GRCh38, 1-based): chr9:131,036,191, G>A. VCF-style: chr9-131036191-G-A. GRCh37 (hg19) VCF-style: chr9-133911578-G-A.
Other names: c.835G>A (NM_006059.3); short protein forms E279K.
Identifiers: ClinVar variation 1401078 (VCV001401078.7), dbSNP rs776309232, ClinGen allele CA5286843.
Genomic context (GRCh38, chr9:131,036,191, plus strand): 5'-TGCGGGTCCCCTTCCTCCTCTGTGTCTTTTCCCAGGTGCAAGTGCAACGGGCATGCCAGC[G>A]AGTGCGGCCCCGACGTGGCAGGCCAGTTGGCCTGCCGGTGCCAGCACAACACCACCGGCA-3'
Protein context (NP_006050.3, residues 269-289): GRCKCNGHAS[Glu279Lys]CGPDVAGQLA

ClinVar aggregate classification (germline): Uncertain significance. Review status: criteria provided, multiple submitters, no conflicts (2 of 4 stars). 2 submissions from 2 submitters: Uncertain significance (2). Last evaluated 2025-12-10.

Conditions:
Inborn genetic diseases. Identifiers: MedGen C0950123, MeSH D030342.

Allele frequency attached by ClinVar (database versions not stated): TOPMed 0.00008; ExAC 0.00014; gnomAD 0.00008; gnomAD exomes 0.00006 and 0.00013.
gnomAD v4.1: 99 of 1,613,048 alleles (0.0061%); highest among the groups gnomAD compares: East Asian, 0.042%; no homozygotes.

Submissions (2):

Ambry Genetics
Classification: Uncertain significance for Inborn genetic diseases. Last evaluated: 2025-12-10. Review status: criteria provided, single submitter. Criteria: Ambry Variant Classification Scheme 2023. Collection method: clinical testing. Allele origin: germline.

Labcorp Genetics (formerly Invitae), Labcorp
Classification: Uncertain significance. Last evaluated: 2022-03-01. Review status: criteria provided, single submitter. Criteria: Invitae Variant Classification Sherloc (09022015). Collection method: clinical testing. Allele origin: germline.
Comment: This sequence change replaces glutamic acid, which is acidic and polar, with lysine, which is basic and polar, at codon 279 of the LAMC3 protein (p.Glu279Lys). This variant is present in population databases (rs776309232, gnomAD 0.1%). This variant has not been reported in the literature in individuals affected with LAMC3-related conditions. Algorithms developed to predict the effect of missense changes on protein structure and function are either unavailable or do not agree on the potential impact of this missense change (SIFT: "Tolerated"; PolyPhen-2: "Probably Damaging"; Align-GVGD: "Class C0"). In summary, the available evidence is currently insufficient to determine the role of this variant in disease. Therefore, it has been classified as a Variant of Uncertain Significance.